The following is an entry in ClinVar:

NM_006361.6(HOXB13):c.429C>T (p.Tyr143=)

Gene: HOXB13 (homeobox B13; minus strand). Cytogenetic location: 17q21.32.
Variant type: single nucleotide variant.
Coding change: c.429C>T on transcript NM_006361.6 (MANE Select); coding-DNA position 429, C replaced by T.
Protein change: p.Tyr143=; no amino-acid change (tyrosine 143 retained).
Molecular consequence: synonymous variant.
Genome position (GRCh38, 1-based): chr17:48,728,165, G>A on the plus strand (C>T on the coding strand, the complement: HOXB13 is on the minus strand). VCF-style: chr17-48728165-G-A. GRCh37 (hg19) VCF-style: chr17-46805527-G-A.
Identifiers: ClinVar variation 3685295 (VCV003685295.4).

ClinVar aggregate classification (germline): Benign/Likely benign. Review status: criteria provided, multiple submitters, no conflicts (2 of 4 stars). 3 submissions from 3 submitters: Benign (1); Likely benign (2). Last evaluated 2024-12-21.

Conditions:
Hereditary cancer-predisposing syndrome. Also called: Tumor predisposition; Neoplastic Syndromes, Hereditary; Hereditary Cancer Syndrome; Hereditary neoplastic syndrome. Identifiers: Orphanet 140162, MedGen C0027672, MeSH D009386, MONDO:0015356.
Prostate cancer, hereditary, 9 (HPC9). Identifiers: Orphanet 1331, MedGen C1970250, MONDO:0012597, OMIM 610997.

Submissions (3):

Ambry Genetics
Classification: Likely benign for Hereditary cancer-predisposing syndrome. Last evaluated: 2024-12-21. Review status: criteria provided, single submitter. Criteria: Ambry Variant Classification Scheme 2023. Collection method: clinical testing. Allele origin: germline.

Myriad Genetics, Inc.
Classification: Benign for Prostate cancer, hereditary, 9. Last evaluated: 2024-10-30. Review status: criteria provided, single submitter. Criteria: Myriad Autosomal Dominant, Autosomal Recessive and X-Linked Classification Criteria (2023). Collection method: clinical testing. Allele origin: unknown.
Comment: This variant is considered benign. This variant is a silent/synonymous amino acid change and it is not expected to impact splicing.

Labcorp Genetics (formerly Invitae), Labcorp
Classification: Likely benign. Last evaluated: 2024-04-11. Review status: criteria provided, single submitter. Criteria: Invitae Variant Classification Sherloc (09022015). Collection method: clinical testing. Allele origin: germline.